The following is an entry in ClinVar:

NM_000440.3(PDE6A):c.671T>C (p.Val224Ala)

Gene: PDE6A (phosphodiesterase 6A; minus strand). Cytogenetic location: 5q32.
Variant type: single nucleotide variant.
Coding change: c.671T>C on transcript NM_000440.3 (MANE Select); coding-DNA position 671, T replaced by C.
Protein change: p.Val224Ala; replaces valine 224 with alanine.
Molecular consequence: missense variant.
Genome position (GRCh38, 1-based): chr5:149,933,976, A>G on the plus strand (T>C on the coding strand, the complement: PDE6A is on the minus strand). VCF-style: chr5-149933976-A-G. GRCh37 (hg19) VCF-style: chr5-149313539-A-G.
Other names: short protein forms V224A.
Identifiers: ClinVar variation 2111267 (VCV002111267.4), dbSNP rs2480685405, ClinGen allele CA361697955.
Genomic context (GRCh38, chr5:149,933,976, plus strand): 5'-CCCAAGCCCCTTACCTGGCCACGTCGAGTTTCACAGTTGTGCAGGTAACTCAGGTGGTAC[A>G]CCTTCATGATTAGATTTGCAAAATTGAGGTACTTGAGAAGAATCTAAAAATCAAACAGCA-3'
Protein context (NP_000431.2, residues 214-234): YLNFANLIMK[Val224Ala]YHLSYLHNCE

ClinVar aggregate classification (germline): Uncertain significance (1 of 4 stars; one submission).

gnomAD v4.1: 3 of 1,613,962 alleles (0.00019%); no homozygotes.

Submission:

Labcorp Genetics (formerly Invitae), Labcorp
Classification: Uncertain significance. Last evaluated: 2024-10-21. Review status: criteria provided, single submitter. Criteria: Invitae Variant Classification Sherloc (09022015). Collection method: clinical testing. Allele origin: germline.
Comment: This sequence change replaces valine, which is neutral and non-polar, with alanine, which is neutral and non-polar, at codon 224 of the PDE6A protein (p.Val224Ala). This variant is not present in population databases (gnomAD no frequency). This variant has not been reported in the literature in individuals affected with PDE6A-related conditions. ClinVar contains an entry for this variant (Variation ID: 2111267). Invitae Evidence Modeling of protein sequence and biophysical properties (such as structural, functional, and spatial information, amino acid conservation, physicochemical variation, residue mobility, and thermodynamic stability) indicates that this missense variant is not expected to disrupt PDE6A protein function with a negative predictive value of 95%. In summary, the available evidence is currently insufficient to determine the role of this variant in disease. Therefore, it has been classified as a Variant of Uncertain Significance.